The following is an entry in ClinVar:

Single allele

Gene: ATXN1 (ataxin 1; minus strand). Cytogenetic location: 6p22.3.
Variant type: Duplication.
Identifiers: ClinVar variation 560042 (VCV000560042.3).

ClinVar aggregate classification (germline): Likely benign (1 of 4 stars; one submission).

Submission:

Geisinger Autism and Developmental Medicine Institute, Geisinger Health System
Classification: Likely benign. Last evaluated: 2018-02-26. Review status: criteria provided, single submitter. Criteria: ACMG CNV Guidelines, 2011. Collection method: provider interpretation. Allele origin: maternal.
Comment: Additionally, a de novo copy number gain at 19p13.2 was identified by CMA, and 2 variants of uncertain significance were identified by exome sequencing.